The following is an entry in ClinVar:

NM_019851.3(FGF20):c.466T>C (p.Tyr156His)

Gene: FGF20 (fibroblast growth factor 20; minus strand). Cytogenetic location: 8p22.
Variant type: single nucleotide variant.
Coding change: c.466T>C on transcript NM_019851.3 (MANE Select); coding-DNA position 466, T replaced by C.
Protein change: p.Tyr156His; replaces tyrosine 156 with histidine.
Molecular consequence: missense variant.
Genome position (GRCh38, 1-based): chr8:16,993,242, A>G on the plus strand (T>C on the coding strand, the complement: FGF20 is on the minus strand). VCF-style: chr8-16993242-A-G. GRCh37 (hg19) VCF-style: chr8-16850751-A-G.
Other names: short protein forms Y156H.
Identifiers: ClinVar variation 2381318 (VCV002381318.5), dbSNP rs780320172, ClinGen allele CA4641588.

ClinVar aggregate classification (germline): Uncertain significance. Review status: criteria provided, multiple submitters, no conflicts (2 of 4 stars). 2 submissions from 2 submitters: Uncertain significance (2). Last evaluated 2025-12-14.

Allele frequency attached by ClinVar (database versions not stated): TOPMed 0.00007; ExAC 0.00002; gnomAD exomes 0.00001; gnomAD 0.00003.
gnomAD v4.1: 15 of 1,613,976 alleles (0.00093%); highest among the groups gnomAD compares: East Asian, 0.011%; no homozygotes.

Submissions (2):

Labcorp Genetics (formerly Invitae), Labcorp
Classification: Uncertain significance. Last evaluated: 2025-12-14. Review status: criteria provided, single submitter. Criteria: Invitae Variant Classification Sherloc (09022015). Collection method: clinical testing. Allele origin: germline.
Comment: This sequence change replaces tyrosine, which is neutral and polar, with histidine, which is basic and polar, at codon 156 of the FGF20 protein (p.Tyr156His). This variant is present in population databases (rs780320172, gnomAD 0.03%). This variant has not been reported in the literature in individuals affected with FGF20-related conditions. ClinVar contains an entry for this variant (Variation ID: 2381318). An algorithm developed to predict the effect of missense changes on protein structure and function outputs the following: PolyPhen-2: "Benign". The histidine amino acid residue is found in multiple mammalian species, which suggests that this missense change does not adversely affect protein function. In summary, the available evidence is currently insufficient to determine the role of this variant in disease. Therefore, it has been classified as a Variant of Uncertain Significance.

Ambry Genetics
Classification: Uncertain significance. Last evaluated: 2025-05-15. Review status: criteria provided, single submitter. Criteria: Ambry Variant Classification Scheme 2023. Collection method: clinical testing. Allele origin: germline.